The following is an entry in ClinVar:

ClinVar aggregate classification (germline): Likely benign. Review status: criteria provided, multiple submitters, no conflicts (2 of 4 stars). 3 submissions from 3 submitters: Likely benign (2). 1 of the submissions does not count toward it. Last evaluated 2026-08-11.

Conditions:
ATP7B-related disorder. Also called: ATP7B-related condition.
Wilson disease (WND). Also called: Wilson's disease. Identifiers: Orphanet 905, MedGen C0019202, MONDO:0010200, OMIM 277900. Disease mechanism: loss of function.

Allele frequency attached by ClinVar (database versions not stated): gnomAD exomes below 0.00001; ExAC 0.00001.
gnomAD v4.1: 1 of 1,614,226 alleles (0.000062%); highest among the groups gnomAD compares: Admixed American, 0.0017%; no homozygotes.

Submissions (3):

PreventionGenetics, part of Exact Sciences
Classification: Likely benign for ATP7B-related condition. Last evaluated: 2026-08-11. Review status: criteria provided, single submitter. Criteria: ACMG Guidelines, 2015. Collection method: clinical testing. Allele origin: germline.
Comment: This variant is classified as likely benign based on ACMG/AMP sequence variant interpretation guidelines (Richards et al. 2015 PMID: 25741868, with internal and published modifications).

Labcorp Genetics (formerly Invitae), Labcorp
Classification: Likely benign for Wilson disease. Last evaluated: 2022-03-21. Review status: criteria provided, single submitter. Criteria: Invitae Variant Classification Sherloc (09022015). Collection method: clinical testing. Allele origin: germline.

Natera, Inc.
Classification: Uncertain significance for Wilson disease. Last evaluated: 2020-08-14. Review status: no assertion criteria provided. Collection method: clinical testing. Allele origin: germline. Not counted in ClinVar's aggregate classification.

NM_000053.4(ATP7B):c.2241C>A (p.Ile747=)

Gene: ATP7B (ATPase copper transporting beta; minus strand). Cytogenetic location: 13q14.3.
Variant type: single nucleotide variant.
Coding change: c.2241C>A on transcript NM_000053.4 (MANE Select); coding-DNA position 2241, C replaced by A.
Protein change: p.Ile747=; no amino-acid change (isoleucine 747 retained).
Molecular consequence: synonymous variant. On other transcripts: intron variant (2).
Genome position (GRCh38, 1-based): chr13:51,958,425, G>T on the plus strand (C>A on the coding strand, the complement: ATP7B is on the minus strand). VCF-style: chr13-51958425-G-T. GRCh37 (hg19) VCF-style: chr13-52532561-G-T.
Other names: c.1908C>A, p.Ile636= (NM_001243182.2); c.1989C>A, p.Ile663= (NM_001330579.2); c.1870-818C>A (NM_001005918.3); c.2122-818C>A (NM_001330578.2); c.2241C>A (NM_000053.3).
Identifiers: ClinVar variation 991424 (VCV000991424.10), dbSNP rs757991922, ClinGen allele CA6989079.